The following is an entry in ClinVar:

NM_004168.4(SDHA):c.1433-16C>T

Gene: SDHA (succinate dehydrogenase complex flavoprotein subunit A; plus strand). Cytogenetic location: 5p15.33.
Variant type: single nucleotide variant.
Coding change: c.1433-16C>T on transcript NM_004168.4 (MANE Select); 16 bases into the intron before coding-DNA position 1433, C replaced by T.
Molecular consequence: intron variant.
Genome position (GRCh38, 1-based): chr5:240,342, C>T. VCF-style: chr5-240342-C-T. GRCh37 (hg19) VCF-style: chr5-240457-C-T.
Other names: c.1433-16C>T (NM_001330758.2); c.1289-16C>T (NM_001294332.2).
Identifiers: ClinVar variation 3904388 (VCV003904388.1).

ClinVar aggregate classification (germline): Likely benign (1 of 4 stars; one submission).

Conditions:
Pheochromocytoma/paraganglioma syndrome 5. Also called: Paragangliomas 5; SDHA-Related Hereditary Paraganglioma-Pheochromocytoma Syndrome. Identifiers: Orphanet 29072, MedGen C3279992, MONDO:0013602, OMIM 614165.

gnomAD v4.1: 1 of 1,502,590 alleles (0.000067%); highest among the groups gnomAD compares: Admixed American, 0.0017%; no homozygotes.

Submission:

Myriad Genetics, Inc.
Classification: Likely benign for Pheochromocytoma/paraganglioma syndrome 5. Last evaluated: 2025-03-10. Review status: criteria provided, single submitter. Criteria: Myriad Autosomal Dominant, Autosomal Recessive and X-Linked Classification Criteria (2023). Collection method: clinical testing. Allele origin: unknown.
Comment: This variant is considered likely benign. This variant is intronic and is not expected to impact mRNA splicing.